The following is an entry in ClinVar:

ClinVar aggregate classification (germline): Likely benign. Review status: criteria provided, multiple submitters, no conflicts (2 of 4 stars). 3 submissions from 3 submitters: Likely benign (3). Last evaluated 2026-05-01.

Conditions:
Inborn genetic diseases. Identifiers: MedGen C0950123, MeSH D030342.

Allele frequency attached by ClinVar (database versions not stated): 1000 Genomes Project 30x 0.00047; 1000 Genomes Project 0.00060; gnomAD 0.00079; TOPMed 0.00085; ESP Exome Variant Server 0.00108; ExAC 0.00213.

Submissions (3):

CeGaT Center for Human Genetics Tuebingen
Classification: Likely benign. Last evaluated: 2026-05-01. Review status: criteria provided, single submitter. Criteria: CeGaT Center For Human Genetics Tuebingen Variant Classification Criteria Version 2. Collection method: clinical testing. Allele origin: germline. Affected: yes. Observed: 4 variant alleles.
Comment: IRF2BPL: BS1

Blueprint Genetics
Classification: Likely benign. Last evaluated: 2024-11-15. Review status: criteria provided, single submitter. Criteria: ACMG Guidelines, 2015. Collection method: clinical testing. Allele origin: germline.

Ambry Genetics
Classification: Likely benign for Inborn genetic diseases. Last evaluated: 2022-06-27. Review status: criteria provided, single submitter. Criteria: Ambry Variant Classification Scheme 2023. Collection method: clinical testing. Allele origin: germline.

NM_024496.4(IRF2BPL):c.724C>T (p.Pro242Ser)

Gene: IRF2BPL (interferon regulatory factor 2 binding protein like; minus strand). Cytogenetic location: 14q24.3.
Variant type: single nucleotide variant.
Coding change: c.724C>T on transcript NM_024496.4 (MANE Select); coding-DNA position 724, C replaced by T.
Protein change: p.Pro242Ser; replaces proline 242 with serine.
Molecular consequence: missense variant.
Genome position (GRCh38, 1-based): chr14:77,027,069, G>A on the plus strand (C>T on the coding strand, the complement: IRF2BPL is on the minus strand). VCF-style: chr14-77027069-G-A. GRCh37 (hg19) VCF-style: chr14-77493412-G-A.
Other names: short protein forms P242S.
Identifiers: ClinVar variation 2344250 (VCV002344250.25), dbSNP rs200743000, ClinGen allele CA7283857.